The following is an entry in ClinVar:

ClinVar aggregate classification (germline): Uncertain significance. Review status: criteria provided, multiple submitters, no conflicts (2 of 4 stars). 2 submissions from 2 submitters: Uncertain significance (2). Last evaluated 2025-09-02.

Conditions:
SLC24A1-related disorder. Also called: SLC24A1-related condition.

Allele frequency attached by ClinVar (database versions not stated): gnomAD 0.00003; TOPMed 0.00004; ESP Exome Variant Server 0.00008.

Submissions (2):

PreventionGenetics, part of Exact Sciences
Classification: Uncertain significance for SLC24A1-related condition. Last evaluated: 2025-09-02. Review status: criteria provided, single submitter. Criteria: ACMG Guidelines, 2015. Collection method: clinical testing. Allele origin: germline.
Comment: The SLC24A1 c.1135A>T variant is predicted to result in the amino acid substitution p.Thr379Ser. To our knowledge, this variant has not been reported in the literature. This variant is present in 0.0053% of alleles in individuals of European (Non-Finnish) descent in gnomAD. At this time, the clinical significance of this variant is uncertain due to the absence of conclusive functional and genetic evidence.

Labcorp Genetics (formerly Invitae), Labcorp
Classification: Uncertain significance. Last evaluated: 2021-08-27. Review status: criteria provided, single submitter. Criteria: Invitae Variant Classification Sherloc (09022015). Collection method: clinical testing. Allele origin: germline.
Comment: This sequence change replaces threonine with serine at codon 379 of the SLC24A1 protein (p.Thr379Ser). The threonine residue is weakly conserved and there is a small physicochemical difference between threonine and serine. This variant is present in population databases (rs374623693, ExAC 0.003%). This variant has not been reported in the literature in individuals affected with SLC24A1-related conditions. Algorithms developed to predict the effect of missense changes on protein structure and function output the following: SIFT: "Tolerated"; PolyPhen-2: "Benign"; Align-GVGD: "Class C0". The serine amino acid residue is found in multiple mammalian species, which suggests that this missense change does not adversely affect protein function. In summary, the available evidence is currently insufficient to determine the role of this variant in disease. Therefore, it has been classified as a Variant of Uncertain Significance.

NM_004727.3(SLC24A1):c.1135A>T (p.Thr379Ser)

Gene: SLC24A1 (solute carrier family 24 member 1; plus strand). Cytogenetic location: 15q22.31.
Variant type: single nucleotide variant.
Coding change: c.1135A>T on transcript NM_004727.3 (MANE Select); coding-DNA position 1135, A replaced by T.
Protein change: p.Thr379Ser; replaces threonine 379 with serine.
Molecular consequence: missense variant.
Genome position (GRCh38, 1-based): chr15:65,625,215, A>T. VCF-style: chr15-65625215-A-T. GRCh37 (hg19) VCF-style: chr15-65917553-A-T.
Other names: c.1135A>T, p.Thr379Ser (NM_001301031.1, NM_001301032.1, NM_001301033.2); c.1135A>T (NM_004727.2); short protein forms T379S.
Identifiers: ClinVar variation 1044638 (VCV001044638.7), dbSNP rs374623693, ClinGen allele CA7619853.